The following is an entry in ClinVar:

ClinVar aggregate classification (germline): Uncertain significance. Review status: reviewed by expert panel (3 of 4 stars). 2 submissions from 2 submitters: Uncertain significance (1). 1 of the submissions does not count toward it. Last evaluated 2024-02-21.

Conditions:
T-B+ severe combined immunodeficiency due to JAK3 deficiency. Also called: SCID, autosomal recessive, T-negative/B-positive type; SCID, T CELL-NEGATIVE, B CELL-POSITIVE, NK CELL-NEGATIVE. Identifiers: Orphanet 35078, MedGen C1833275, MONDO:0010938, OMIM 600802.

Allele frequency attached by ClinVar (database versions not stated): gnomAD exomes 0.00001; ESP Exome Variant Server 0.00008; TOPMed 0.00009; gnomAD 0.00010 and 0.00011.
gnomAD v4.1: 23 of 1,597,334 alleles (0.0014%); highest among the groups gnomAD compares: African/African-American, 0.023%; no homozygotes.

Submissions (2):

ClinGen Severe Combined Immunodeficiency Variant Curation Expert Panel, ClinGen
Classification: Uncertain significance for T-B+ severe combined immunodeficiency due to JAK3 deficiency. Last evaluated: 2024-02-21. Review status: reviewed by expert panel. Criteria: ClinGen SCID ACMG Specifications JAK3 V1.0.0. Collection method: curation. Allele origin: germline. Inheritance: Autosomal recessive inheritance.
Comment: The NM_000215.4(JAK3):c.2291C>T variant in JAK3 is a missense variant predicted to cause substitution of proline by leucine at amino acid 764 (p.Pro764Leu). The filtering allele frequency (the upper threshold of the 95% CI of 3/33008) of the c.2291C>T variant is 0.00002408 for African/African American subpopulation chromosomes by gnomAD v.4.0.0, which is lower than the threshold (<0.000115) defined by the ClinGen Severe Combined immunodeficiency Disease Variant Curation Expert Panel (SCID VCEP) for JAK3 variants (PM2_supporting). One patient was found reported on Clinvar; however, the affected status is unknown (VCV000863482.6). This variant does not meet the criteria to be classified as pathogenic, likely pahogenic, benign or likely benign for T-B+ severe combined immunodeficiency due to JAK3 deficiency based on the ACMG/AMP criteria applied, as specified by the ClinGen SCID JAK3 VCEP (PM2_supporting) ; therefore is classified as a variant of unknown significance (VUS) for this disease. (VCEP specifications version 1).

Labcorp Genetics (formerly Invitae), Labcorp
Classification: Uncertain significance for T-B+ severe combined immunodeficiency due to JAK3 deficiency. Last evaluated: 2021-08-27. Review status: criteria provided, single submitter. Criteria: Invitae Variant Classification Sherloc (09022015). Collection method: clinical testing. Allele origin: germline. Not counted in ClinVar's aggregate classification.
Comment: This sequence change replaces proline with leucine at codon 764 of the JAK3 protein (p.Pro764Leu). The proline residue is highly conserved and there is a moderate physicochemical difference between proline and leucine. This variant is present in population databases (rs149982493, ExAC 0.02%). This variant has not been reported in the literature in individuals affected with JAK3-related conditions. Algorithms developed to predict the effect of missense changes on protein structure and function are either unavailable or do not agree on the potential impact of this missense change (SIFT: "Deleterious"; PolyPhen-2: "Possibly Damaging"; Align-GVGD: "Class C0"). In summary, the available evidence is currently insufficient to determine the role of this variant in disease. Therefore, it has been classified as a Variant of Uncertain Significance.

NM_000215.4(JAK3):c.2291C>T (p.Pro764Leu)

Gene: JAK3 (Janus kinase 3; minus strand). Cytogenetic location: 19p13.11.
Variant type: single nucleotide variant.
Coding change: c.2291C>T on transcript NM_000215.4 (MANE Select); coding-DNA position 2291, C replaced by T.
Protein change: p.Pro764Leu; replaces proline 764 with leucine.
Molecular consequence: missense variant.
Genome position (GRCh38, 1-based): chr19:17,834,630, G>A on the plus strand (C>T on the coding strand, the complement: JAK3 is on the minus strand). VCF-style: chr19-17834630-G-A. GRCh37 (hg19) VCF-style: chr19-17945439-G-A.
Other names: NM_000215.4(JAK3):c.2291C>T; p.Pro764Leu; short protein forms P764L.
Identifiers: ClinVar variation 863482 (VCV000863482.7), dbSNP rs149982493, ClinGen allele CA9301631.